The following is an entry in ClinVar:

ClinVar aggregate classification (germline): Uncertain significance (1 of 4 stars; one submission).

Submission:

Labcorp Genetics (formerly Invitae), Labcorp
Classification: Uncertain significance. Last evaluated: 2025-04-21. Review status: criteria provided, single submitter. Criteria: Invitae Variant Classification Sherloc (09022015). Collection method: clinical testing. Allele origin: germline.
Comment: This sequence change replaces glycine, which is neutral and non-polar, with arginine, which is basic and polar, at codon 919 of the TOP2B protein (p.Gly919Arg). This variant is not present in population databases (gnomAD no frequency). This variant has not been reported in the literature in individuals affected with TOP2B-related conditions. An algorithm developed to predict the effect of missense changes on protein structure and function (PolyPhen-2) suggests that this variant is likely to be disruptive. In summary, the available evidence is currently insufficient to determine the role of this variant in disease. Therefore, it has been classified as a Variant of Uncertain Significance.

NM_001330700.2(TOP2B):c.2770G>C (p.Gly924Arg)

Gene: TOP2B (DNA topoisomerase II beta; minus strand). Cytogenetic location: 3p24.2.
Variant type: single nucleotide variant.
Coding change: c.2770G>C on transcript NM_001330700.2 (MANE Select); coding-DNA position 2770, G replaced by C.
Protein change: p.Gly924Arg; replaces glycine 924 with arginine.
Molecular consequence: missense variant.
Genome position (GRCh38, 1-based): chr3:25,620,774, C>G on the plus strand (G>C on the coding strand, the complement: TOP2B is on the minus strand). VCF-style: chr3-25620774-C-G. GRCh37 (hg19) VCF-style: chr3-25662265-C-G.
Other names: c.2755G>C, p.Gly919Arg (NM_001068.3); short protein forms G924R, G919R.
Identifiers: ClinVar variation 4718077 (VCV004718077.1).